The following is an entry in ClinVar:

NM_003477.3(PDHX):c.1129A>G (p.Ile377Val)

Gene: PDHX (pyruvate dehydrogenase complex component X; plus strand). Cytogenetic location: 11p13.
Variant type: single nucleotide variant.
Coding change: c.1129A>G on transcript NM_003477.3 (MANE Select); coding-DNA position 1129, A replaced by G.
Protein change: p.Ile377Val; replaces isoleucine 377 with valine.
Molecular consequence: missense variant.
Genome position (GRCh38, 1-based): chr11:34,984,675, A>G. VCF-style: chr11-34984675-A-G. GRCh37 (hg19) VCF-style: chr11-35006222-A-G.
Other names: p.I377V:ATC>GTC; c.949A>G, p.Ile317Val (NM_001135024.2); c.448A>G, p.Ile150Val (NM_001166158.2); short protein forms I377V, I150V, I317V.
Identifiers: ClinVar variation 214958 (VCV000214958.17), dbSNP rs75430333, ClinGen allele CA324768.
Genomic context (GRCh38, chr11:34,984,675, plus strand): 5'-CAACTGCCATTTATTGACATTTCAGTGGCTGTGGCAACAGATAAAGGCTTACTTACTCCA[A>G]TCATAAAAGATGCTGCTGCTAAAGGTATCCAGGAAATTGCTGACTCTGTAAAGGTATGTC-3'
Protein context (NP_003468.2, residues 367-387): VATDKGLLTP[Ile377Val]IKDAAAKGIQ

ClinVar aggregate classification (germline): Uncertain significance. Review status: criteria provided, multiple submitters, no conflicts (2 of 4 stars). 5 submissions from 5 submitters: Uncertain significance (4). 1 of the submissions does not count toward it. Last evaluated 2022-07-22.

Conditions:
Pyruvate dehydrogenase E3-binding protein deficiency (PDHXD). Also called: LACTIC ACIDEMIA DUE TO DEFECT IN LIPOYL-CONTAINING COMPONENT X OF THE PYRUVATE DEHYDROGENASE COMPLEX; PYRUVATE HYDROGENASE E3-BINDING PROTEIN DEFICIENCY; E3-Binding Protein (Component X) Deficiency; Lacticacidemia due to PDX1 deficiency. Identifiers: Orphanet 255182, MedGen C1855553, MONDO:0009503, OMIM 245349.

Allele frequency attached by ClinVar (database versions not stated): ExAC 0.00007; gnomAD exomes 0.00007; ESP Exome Variant Server 0.00008; 1000 Genomes Project 30x 0.00016; gnomAD 0.00017; TOPMed 0.00017.
gnomAD v4.1: 447 of 1,614,092 alleles (0.028%); highest among the groups gnomAD compares: Middle Eastern, 0.21%; no homozygotes.

Submissions (5):

Labcorp Genetics (formerly Invitae), Labcorp
Classification: Uncertain significance. Last evaluated: 2022-07-22. Review status: criteria provided, single submitter. Criteria: Invitae Variant Classification Sherloc (09022015). Collection method: clinical testing. Allele origin: germline.
Comment: This sequence change replaces isoleucine, which is neutral and non-polar, with valine, which is neutral and non-polar, at codon 377 of the PDHX protein (p.Ile377Val). This variant is present in population databases (rs75430333, gnomAD 0.02%). This variant has not been reported in the literature in individuals affected with PDHX-related conditions. ClinVar contains an entry for this variant (Variation ID: 214958). Algorithms developed to predict the effect of missense changes on protein structure and function output the following: SIFT: "Deleterious"; PolyPhen-2: "Benign"; Align-GVGD: "Class C25". The valine amino acid residue is found in multiple mammalian species, which suggests that this missense change does not adversely affect protein function. Algorithms developed to predict the effect of sequence changes on RNA splicing suggest that this variant may create or strengthen a splice site. In summary, the available evidence is currently insufficient to determine the role of this variant in disease. Therefore, it has been classified as a Variant of Uncertain Significance.

Illumina Laboratory Services, Illumina
Classification: Uncertain significance for Pyruvate dehydrogenase E3-binding protein deficiency. Last evaluated: 2018-01-13. Review status: criteria provided, single submitter. Criteria: ICSL Variant Classification Criteria 13 December 2019. Collection method: clinical testing. Allele origin: germline.

Baylor Genetics
Classification: Uncertain significance for Pyruvate dehydrogenase E3-binding protein deficiency. Last evaluated: 2017-09-01. Review status: criteria provided, single submitter. Criteria: ACMG Guidelines, 2015. Collection method: clinical testing. Allele origin: germline. Inheritance: Autosomal recessive inheritance. Affected: yes.
Comment: However, lactic acidosis was not noted. Heterozygotes would be expected to be asymptomatic carriers.

GeneDx
Classification: Uncertain significance. Last evaluated: 2016-08-05. Review status: criteria provided, single submitter. Criteria: GeneDx Variant Classification (06012015). Collection method: clinical testing. Allele origin: germline. Affected: yes.
Comment: The I377V variant in the PDHX gene has not been reported previously as a pathogenic variant, nor as a benign variant, to our knowledge. The I377V variant was not observed at any significant frequency in approximately 6,500 individuals of European and African American ancestry in the NHLBI Exome Sequencing Project, indicating it is not a common benign variant in these populations. The I377V variant is a conservative amino acid substitution, which is not likely to impact secondary protein structure as these residues share similar properties. This substitution occurs at a position where amino acids with similar properties to Isoleucine are tolerated across species. In silico analysis is inconsistent in its predictions as to whether or not the variant is damaging to the protein structure/function. We interpret I377V as a variant of uncertain significance.

Mayo Clinic Laboratories, Mayo Clinic
Classification: Uncertain significance. Last evaluated: 2016-02-22. Review status: no assertion criteria provided. Collection method: clinical testing. Allele origin: unknown. Not counted in ClinVar's aggregate classification.

Literature cited by the submitters: PubMed 25326635 (cited by Baylor Genetics).